The following is an entry in ClinVar:

NM_001354930.2(RIPK1):c.290A>G (p.Lys97Arg)

Gene: RIPK1 (receptor interacting serine/threonine kinase 1; plus strand). Cytogenetic location: 6p25.2.
Variant type: single nucleotide variant.
Coding change: c.290A>G on transcript NM_001354930.2 (MANE Select); coding-DNA position 290, A replaced by G.
Protein change: p.Lys97Arg; replaces lysine 97 with arginine.
Molecular consequence: missense variant. On other transcripts: 5 prime UTR variant (4).
Genome position (GRCh38, 1-based): chr6:3,077,904, A>G. VCF-style: chr6-3077904-A-G. GRCh37 (hg19) VCF-style: chr6-3078138-A-G.
Other names: c.-314A>G (NM_001317061.3, NM_001354932.2, NM_001354933.2 and 1 more transcripts); c.290A>G, p.Lys97Arg (NM_001354931.2, NM_003804.6); short protein forms K97R.
Identifiers: ClinVar variation 1362424 (VCV001362424.6), dbSNP rs772417899, ClinGen allele CA3618132.

ClinVar aggregate classification (germline): Uncertain significance (1 of 4 stars; one submission).

Allele frequency attached by ClinVar (database versions not stated): TOPMed 0.00001; gnomAD 0.00002 and 0.00005; gnomAD exomes 0.00008; ExAC 0.00009.
gnomAD v4.1: 108 of 1,614,066 alleles (0.0067%); highest among the groups gnomAD compares: East Asian, 0.24%; no homozygotes.

Submission:

Labcorp Genetics (formerly Invitae), Labcorp
Classification: Uncertain significance. Last evaluated: 2022-08-09. Review status: criteria provided, single submitter. Criteria: Invitae Variant Classification Sherloc (09022015). Collection method: clinical testing. Allele origin: germline.
Comment: In summary, the available evidence is currently insufficient to determine the role of this variant in disease. Therefore, it has been classified as a Variant of Uncertain Significance. Algorithms developed to predict the effect of missense changes on protein structure and function are either unavailable or do not agree on the potential impact of this missense change (SIFT: "Not Available"; PolyPhen-2: "Benign"; Align-GVGD: "Not Available"). ClinVar contains an entry for this variant (Variation ID: 1362424). This variant has not been reported in the literature in individuals affected with RIPK1-related conditions. This variant is present in population databases (rs772417899, gnomAD 0.1%). This sequence change replaces lysine, which is basic and polar, with arginine, which is basic and polar, at codon 97 of the RIPK1 protein (p.Lys97Arg).